The following is an entry in ClinVar:

NM_000278.5(PAX2):c.527G>T (p.Ser176Ile)

Gene: PAX2 (paired box 2; plus strand). Cytogenetic location: 10q24.31.
Variant type: single nucleotide variant.
Coding change: c.527G>T on transcript NM_000278.5 (MANE Select); coding-DNA position 527, G replaced by T.
Protein change: p.Ser176Ile; replaces serine 176 with isoleucine.
Molecular consequence: missense variant.
Genome position (GRCh38, 1-based): chr10:100,781,276, G>T. VCF-style: chr10-100781276-G-T. GRCh37 (hg19) VCF-style: chr10-102541033-G-T.
Other names: c.527G>T, p.Ser176Ile (NM_003987.5, NM_003988.5, NM_003989.5 and 1 more transcripts); c.620G>T, p.Ser207Ile (NM_001304569.2); short protein forms S176I, S207I.
Identifiers: ClinVar variation 4788189 (VCV004788189.1).

ClinVar aggregate classification (germline): Uncertain significance (1 of 4 stars; one submission).

Conditions:
Focal segmental glomerulosclerosis 7 (FSGS7). Identifiers: Orphanet 656, MedGen C4014925, MONDO:0014451, OMIM 616002.
Renal coloboma syndrome (PAPRS). Also called: PAPILLORENAL SYNDROME; COLOBOMA OF OPTIC NERVE WITH RENAL DISEASE; OPTIC COLOBOMA, VESICOURETERAL REFLUX, AND RENAL ANOMALIES; OPTIC NERVE COLOBOMA WITH RENAL DISEASE; RENAL-COLOBOMA SYNDROME WITH MACULAR ABNORMALITIES; PAPILLORENAL SYNDROME WITH MILD OCULAR ABNORMALITIES. Identifiers: Orphanet 1475, MedGen C1852759, MONDO:0007352, OMIM 120330.

gnomAD v4.1: 1 of 1,613,910 alleles (0.000062%); highest among the groups gnomAD compares: East Asian, 0.0022%; no homozygotes.

Submission:

Labcorp Genetics (formerly Invitae), Labcorp
Classification: Uncertain significance for Renal coloboma syndrome; Focal segmental glomerulosclerosis 7. Last evaluated: 2025-09-13. Review status: criteria provided, single submitter. Criteria: Invitae Variant Classification Sherloc (09022015). Collection method: clinical testing. Allele origin: germline.
Comment: This sequence change replaces serine, which is neutral and polar, with isoleucine, which is neutral and non-polar, at codon 176 of the PAX2 protein (p.Ser176Ile). This variant is not present in population databases (gnomAD no frequency). This variant has not been reported in the literature in individuals affected with PAX2-related conditions. Experimental studies and prediction algorithms are not available or were not evaluated, and the functional significance of this variant is currently unknown. In summary, the available evidence is currently insufficient to determine the role of this variant in disease. Therefore, it has been classified as a Variant of Uncertain Significance.